The following is an entry in ClinVar:

ClinVar aggregate classification (germline): Conflicting classifications of pathogenicity. Review status: criteria provided, conflicting classifications (1 of 4 stars). 4 submissions from 4 submitters: Likely pathogenic (1); Uncertain significance (3). Last evaluated 2025-03-05.

Conditions:
Familial thoracic aortic aneurysm and aortic dissection (TAAD). Also called: Thoracic aortic aneurysms and dissections. Identifiers: Orphanet 91387, MedGen C4707243, MONDO:0019625.
Cardiovascular phenotype. Identifiers: MedGen CN230736.

Submissions (4):

Molecular Diagnostic Laboratory for Inherited Cardiovascular Disease, Montreal Heart Institute
Classification: Likely pathogenic for Cardiovascular phenotype. Last evaluated: 2025-03-05. Review status: criteria provided, single submitter. Criteria: ACMG Guidelines, 2015. Collection method: clinical testing. Allele origin: germline. Affected: yes.
Comment: PM1, PM2, PP1, PP3

Labcorp Genetics (formerly Invitae), Labcorp
Classification: Uncertain significance for Familial thoracic aortic aneurysm and aortic dissection. Last evaluated: 2023-07-31. Review status: criteria provided, single submitter. Criteria: Invitae Variant Classification Sherloc (09022015). Collection method: clinical testing. Allele origin: germline.
Comment: In summary, the available evidence is currently insufficient to determine the role of this variant in disease. Therefore, it has been classified as a Variant of Uncertain Significance. This variant has not been reported in the literature in individuals affected with TGFBR1-related conditions. This sequence change replaces isoleucine, which is neutral and non-polar, with phenylalanine, which is neutral and non-polar, at codon 320 of the TGFBR1 protein (p.Ile320Phe). This variant is not present in population databases (gnomAD no frequency). ClinVar contains an entry for this variant (Variation ID: 1314248). Advanced modeling of protein sequence and biophysical properties (such as structural, functional, and spatial information, amino acid conservation, physicochemical variation, residue mobility, and thermodynamic stability) performed at Invitae indicates that this missense variant is expected to disrupt TGFBR1 protein function.

Blueprint Genetics
Classification: Uncertain significance. Last evaluated: 2023-06-13. Review status: criteria provided, single submitter. Criteria: ACMG Guidelines, 2015. Collection method: clinical testing. Allele origin: germline.

GeneDx
Classification: Uncertain significance. Last evaluated: 2021-04-01. Review status: criteria provided, single submitter. Criteria: GeneDx Variant Classification Process June 2021. Collection method: clinical testing. Allele origin: germline. Affected: yes.
Comment: Has not been previously published as pathogenic or benign to our knowledge; Not observed in large population cohorts (Lek et al., 2016); In silico analysis supports that this missense variant has a deleterious effect on protein structure/function

NM_004612.4(TGFBR1):c.958A>T (p.Ile320Phe)

Gene: TGFBR1 (transforming growth factor beta receptor 1; plus strand). Cytogenetic location: 9q22.33.
Variant type: single nucleotide variant.
Coding change: c.958A>T on transcript NM_004612.4 (MANE Select); coding-DNA position 958, A replaced by T.
Protein change: p.Ile320Phe; replaces isoleucine 320 with phenylalanine.
Molecular consequence: missense variant.
Genome position (GRCh38, 1-based): chr9:99,142,688, A>T. VCF-style: chr9-99142688-A-T. GRCh37 (hg19) VCF-style: chr9-101904970-A-T.
Other names: c.727A>T, p.Ile243Phe (NM_001130916.3); c.970A>T, p.Ile324Phe (NM_001306210.2); c.958A>T (NM_004612.3); short protein forms I243F, I320F, I324F.
Identifiers: ClinVar variation 1314248 (VCV001314248.8), dbSNP rs760419678, ClinGen allele CA374230815.